The following is an entry in ClinVar:

NM_001271696.3(ABCB7):c.361A>G (p.Ile121Val)

Gene: ABCB7 (ATP binding cassette subfamily B member 7; minus strand). Cytogenetic location: Xq13.3.
Variant type: single nucleotide variant.
Coding change: c.361A>G on transcript NM_001271696.3 (MANE Select); coding-DNA position 361, A replaced by G.
Protein change: p.Ile121Val; replaces isoleucine 121 with valine.
Molecular consequence: missense variant. On other transcripts: intron variant (2).
Genome position (GRCh38, 1-based): chrX:75,099,034, T>C on the plus strand (A>G on the coding strand, the complement: ABCB7 is on the minus strand). VCF-style: chrX-75099034-T-C. GRCh37 (hg19) VCF-style: chrX-74318869-T-C.
Other names: c.283A>G, p.Ile95Val (NM_001271698.3); c.364A>G, p.Ile122Val (NM_004299.6); c.333+13852A>G (NM_001271697.3); c.336+13852A>G (NM_001271699.3); short protein forms I122V, I121V, I95V.
Identifiers: ClinVar variation 384271 (VCV000384271.15), dbSNP rs147898380, ClinGen allele CA10455533.
Genomic context (GRCh38, chrX:75,099,034, plus strand): 5'-CAACTCTAGCTCGTAGATCTGGCCTGTCTTTGGGCCACACATAAGAAAGCATTGCTTTTA[T>C]GATTTTCCGAGTATCAACATCTTTTAACTATTGAAAGAGAGAAAACAAAGCAGTGAATAA-3'
Protein context (NP_001258625.1, residues 111-131): GLKDVDTRKI[Ile121Val]KAMLSYVWPK

ClinVar aggregate classification (germline): Likely benign. Review status: criteria provided, multiple submitters, no conflicts (2 of 4 stars). 6 submissions from 6 submitters: Likely benign (6). Last evaluated 2026-02-23.

Conditions:
ABCB7-related disorder. Also called: ABCB7-related condition.
Mitochondrial disease. Also called: Mitochondrial disorders; Mitochondrial disorder. Identifiers: Orphanet 68380, MedGen C0751651, MeSH D028361, MONDO:0044970.

Allele frequency attached by ClinVar (database versions not stated): gnomAD exomes 0.00009 and 0.00026; 1000 Genomes Project 0.00026; ExAC 0.00035; 1000 Genomes Project 30x 0.00042; gnomAD 0.00095 and 0.00108; TOPMed 0.00110; ESP Exome Variant Server 0.00133.
gnomAD v4.1: 226 of 1,209,172 alleles (0.019%); highest among the groups gnomAD compares: African/African-American, 0.32%; no homozygotes.

Submissions (6):

PreventionGenetics, part of Exact Sciences
Classification: Likely benign for ABCB7-related condition. Last evaluated: 2026-02-23. Review status: criteria provided, single submitter. Criteria: ACMG Guidelines, 2015. Collection method: clinical testing. Allele origin: germline.
Comment: This variant is classified as likely benign based on ACMG/AMP sequence variant interpretation guidelines (Richards et al. 2015 PMID: 25741868, with internal and published modifications).

Labcorp Genetics (formerly Invitae), Labcorp
Classification: Likely benign. Last evaluated: 2025-12-22. Review status: criteria provided, single submitter. Criteria: Invitae Variant Classification Sherloc (09022015). Collection method: clinical testing. Allele origin: germline.

Blueprint Genetics
Classification: Likely benign. Last evaluated: 2022-10-30. Review status: criteria provided, single submitter. Criteria: ACMG Guidelines, 2015. Collection method: clinical testing. Allele origin: germline.

Department of Pathology and Laboratory Medicine, Sinai Health System
Classification: Likely benign for mitochondrial disease. Last evaluated: 2021-07-30. Review status: criteria provided, single submitter. Criteria: ACMG Guidelines, 2015. Collection method: research. Allele origin: germline.

GeneDx
Classification: Likely benign. Last evaluated: 2021-03-05. Review status: criteria provided, single submitter. Criteria: GeneDx Variant Classification Process June 2021. Collection method: clinical testing. Allele origin: germline. Affected: yes.

Breakthrough Genomics
Classification: Likely benign. Review status: criteria provided, single submitter. Criteria: ACMG Guidelines, 2015. Collection method: not provided. Allele origin: germline. Inheritance: X-linked inheritance. Affected: yes.